The following is an entry in ClinVar:

NM_002226.5(JAG2):c.3226G>A (p.Gly1076Ser)

Gene: JAG2 (jagged canonical Notch ligand 2; minus strand). Cytogenetic location: 14q32.33.
Variant type: single nucleotide variant.
Coding change: c.3226G>A on transcript NM_002226.5 (MANE Select); coding-DNA position 3226, G replaced by A.
Protein change: p.Gly1076Ser; replaces glycine 1076 with serine.
Molecular consequence: missense variant.
Genome position (GRCh38, 1-based): chr14:105,143,497, C>T on the plus strand (G>A on the coding strand, the complement: JAG2 is on the minus strand). VCF-style: chr14-105143497-C-T. GRCh37 (hg19) VCF-style: chr14-105609834-C-T.
Other names: p.Gly1076Ser; c.3112G>A, p.Gly1038Ser (NM_145159.3); short protein forms G1038S, G1076S.
Identifiers: ClinVar variation 3380247 (VCV003380247.1).
Genomic context (GRCh38, chr14:105,143,497, plus strand): 5'-GTTGCCTGCCTGGTGCCTTCCCAGGGGCCCACCTCCCGCGCTTACCTGTGGAAGAGCCGC[C>T]CGTAACAACCGTCTCCACCTTGACCTCGGTGACAGCCAGGAGCAGTGAGCTGTTCCCCCG-3'
Protein context (NP_002217.3, residues 1066-1086): TEVKVETVVT[Gly1076Ser]GSSTGLLVPV

ClinVar aggregate classification (germline): Uncertain significance (1 of 4 stars; one submission).

gnomAD v4.1: 69 of 1,561,156 alleles (0.0044%); highest among the groups gnomAD compares: African/African-American, 0.082%; no homozygotes.

Submission:

Mayo Clinic Laboratories, Mayo Clinic
Classification: Uncertain significance. Last evaluated: 2024-03-01. Review status: criteria provided, single submitter. Criteria: ACMG Guidelines, 2015. Collection method: clinical testing. Allele origin: germline. Observed: 1 variant allele.
Comment: BP4, PM2_moderate